The following is an entry in ClinVar:

NM_001035.3(RYR2):c.283G>A (p.Val95Met)

Gene: RYR2 (ryanodine receptor 2; plus strand). Cytogenetic location: 1q43.
Variant type: single nucleotide variant.
Coding change: c.283G>A on transcript NM_001035.3 (MANE Select); coding-DNA position 283, G replaced by A.
Protein change: p.Val95Met; replaces valine 95 with methionine.
Molecular consequence: missense variant.
Genome position (GRCh38, 1-based): chr1:237,355,974, G>A. VCF-style: chr1-237355974-G-A. GRCh37 (hg19) VCF-style: chr1-237519274-G-A.
Other names: short protein forms V95M.
Identifiers: ClinVar variation 1332640 (VCV001332640.4), dbSNP rs2149691920, ClinGen allele CA345654786.

ClinVar aggregate classification (germline): Uncertain significance. Review status: criteria provided, multiple submitters, no conflicts (2 of 4 stars). 2 submissions from 2 submitters: Uncertain significance (2). Last evaluated 2024-05-14.

Conditions:
Cardiomyopathy (CMYO). Also called: Cardiomyopathies. Identifiers: Orphanet 167848, MedGen C0878544, MONDO:0004994, HP:0001638. Inheritance: Various modes of inheritance.
Catecholaminergic polymorphic ventricular tachycardia (CVPT). Also called: Catecholamine-induced polymorphic ventricular tachycardia. Identifiers: Orphanet 3286, MedGen C5574922, MONDO:0017990.

gnomAD v4.1: 3 of 1,606,276 alleles (0.00019%); highest among the groups gnomAD compares: Non-Finnish European, 0.00026%; no homozygotes.

Submissions (2):

All of Us Research Program, National Institutes of Health
Classification: Uncertain significance for Catecholaminergic polymorphic ventricular tachycardia. Last evaluated: 2024-05-14. Review status: criteria provided, single submitter. Criteria: ACMG Guidelines, 2015. Collection method: clinical testing. Allele origin: germline. Inheritance: Autosomal dominant inheritance. Observed: 1 variant allele, 1 heterozygote.
Comment: This missense variant replaces valine with methionine at codon 95 of the RYR2 protein. Computational prediction suggests that this variant may not impact protein structure and function (internally defined REVEL score threshold <= 0.5, PMID: 27666373). To our knowledge, functional studies have not been reported for this variant. This variant has not been reported in individuals affected with cardiovascular disorders in the literature. This variant has not been identified in the general population by the Genome Aggregation Database (gnomAD). The available evidence is insufficient to determine the role of this variant in disease conclusively. Therefore, this variant is classified as a Variant of Uncertain Significance.

This study involves interpretation of variants in research participants for the purpose of population health screening. Participant phenotype was not available at the time of variant classification. Additional details can be found in publication PMID: 35346344, PMCID: PMC8962531

Color Diagnostics, LLC DBA Color Health
Classification: Uncertain significance for Cardiomyopathy. Last evaluated: 2024-05-03. Review status: criteria provided, single submitter. Criteria: ACMG Guidelines, 2015. Collection method: clinical testing. Allele origin: germline.
Comment: This missense variant replaces valine with methionine at codon 95 of the RYR2 protein. Computational prediction suggests that this variant may not impact protein structure and function. To our knowledge, functional studies have not been reported for this variant. This variant has not been reported in individuals affected with cardiovascular disorders in the literature. This variant has not been identified in the general population by the Genome Aggregation Database (gnomAD). The available evidence is insufficient to determine the role of this variant in disease conclusively. Therefore, this variant is classified as a Variant of Uncertain Significance.